The following is an entry in ClinVar:

NM_001355436.2(SPTB):c.6015C>G (p.Leu2005=)

Gene: SPTB (spectrin beta, erythrocytic; minus strand). Cytogenetic location: 14q23.3.
Variant type: single nucleotide variant.
Coding change: c.6015C>G on transcript NM_001355436.2 (MANE Select); coding-DNA position 6015, C replaced by G.
Protein change: p.Leu2005=; no amino-acid change (leucine 2005 retained).
Molecular consequence: synonymous variant.
Genome position (GRCh38, 1-based): chr14:64,769,041, G>C on the plus strand (C>G on the coding strand, the complement: SPTB is on the minus strand). VCF-style: chr14-64769041-G-C. GRCh37 (hg19) VCF-style: chr14-65235759-G-C.
Other names: c.6015C>G, p.Leu2005= (NM_001024858.4, NM_001355437.2).
Identifiers: ClinVar variation 2644317 (VCV002644317.24), dbSNP rs368634739, ClinGen allele CA486735209.
Genomic context (GRCh38, chr14:64,769,041, plus strand): 5'-ACTCCTGCGGGGGTACTCCTGCCCCTGGGCCCTGGCTCCAGGGCTGTACTCACACATGCG[G>C]AGCCGCTCCCAGCGGGCTTCCCACTTCTCATTCATCTCTTTCCTCCTGGACATCACCTGC-3'
Protein context (NP_001342365.1, residues 1995-2015): NEKWEARWER[Leu2005=]RMLLEVCQFS

ClinVar aggregate classification (germline): Likely benign (1 of 4 stars; one submission).

gnomAD v4.1: 1 of 1,613,058 alleles (0.000062%); highest among the groups gnomAD compares: Non-Finnish European, 0.000085%; no homozygotes.

Submission:

CeGaT Center for Human Genetics Tuebingen
Classification: Likely benign. Last evaluated: 2023-05-01. Review status: criteria provided, single submitter. Criteria: CeGaT Center For Human Genetics Tuebingen Variant Classification Criteria Version 2. Collection method: clinical testing. Allele origin: germline. Affected: yes. Observed: 1 variant allele.
Comment: SPTB: PM2:Supporting, BP4, BP7